The following is an entry in ClinVar:

NM_001197104.2(KMT2A):c.10969C>T (p.Gln3657Ter)

Gene: KMT2A (lysine methyltransferase 2A; plus strand). Cytogenetic location: 11q23.3.
Variant type: single nucleotide variant.
Coding change: c.10969C>T on transcript NM_001197104.2 (MANE Select); coding-DNA position 10969, C replaced by T.
Protein change: p.Gln3657Ter; replaces glutamine 3657 with a stop codon.
Molecular consequence: nonsense.
Genome position (GRCh38, 1-based): chr11:118,510,016, C>T. VCF-style: chr11-118510016-C-T. GRCh37 (hg19) VCF-style: chr11-118380731-C-T.
Other names: c.11059C>T, p.Gln3687Ter (NM_001412597.1); c.10960C>T, p.Gln3654Ter (NM_005933.4); short protein forms Q3654*, Q3687*, Q3657*.
Identifiers: ClinVar variation 3648891 (VCV003648891.2).
Genomic context (GRCh38, chr11:118,510,016, plus strand): 5'-ACAGTGGAAGAAGAGGAAAGTAATTTCAGCTCCCCACTGATGCTTTGGCTTCAGCAAGAA[C>T]AAAAGCGGAAGGAAAGCATTACTGAGAAAAAACCCAAGAAAGGACTTGTTTTTGAAATTT-3'

ClinVar aggregate classification (germline): Pathogenic (1 of 4 stars; one submission).

Submission:

Labcorp Genetics (formerly Invitae), Labcorp
Classification: Pathogenic. Last evaluated: 2024-05-23. Review status: criteria provided, single submitter. Criteria: Invitae Variant Classification Sherloc (09022015). Collection method: clinical testing. Allele origin: germline.
Comment: This sequence change creates a premature translational stop signal (p.Gln3657*) in the KMT2A gene. It is expected to result in an absent or disrupted protein product. Loss-of-function variants in KMT2A are known to be pathogenic (PMID: 22795537, 25810209, 29574747). This variant is not present in population databases (gnomAD no frequency). This variant has not been reported in the literature in individuals affected with KMT2A-related conditions. For these reasons, this variant has been classified as Pathogenic.

Literature cited by the submitters: PubMed 22795537; PubMed 25810209; PubMed 29574747.